The following is an entry in ClinVar:

ClinVar aggregate classification (germline): Likely benign (1 of 4 stars; one submission).

Allele frequency attached by ClinVar (database versions not stated): 1000 Genomes Project 0.00060; gnomAD 0.00085; TOPMed 0.00090.
gnomAD v4.1: 127 of 150,300 alleles (0.084%); highest among the groups gnomAD compares: Non-Finnish European, 0.15%; no homozygotes.

Submission:

CeGaT Center for Human Genetics Tuebingen
Classification: Likely benign. Last evaluated: 2023-06-01. Review status: criteria provided, single submitter. Criteria: CeGaT Center For Human Genetics Tuebingen Variant Classification Criteria Version 2. Collection method: clinical testing. Allele origin: germline. Affected: yes. Observed: 5 variant alleles.
Comment: HRAS: BS1

NC_000011.10:g.530444G>A

Genes: HRAS (HRas proto-oncogene, GTPase; minus strand), LRRC56 (leucine rich repeat containing 56; plus strand). Cytogenetic location: 11p15.5.
Variant type: single nucleotide variant.
Genome position: GRCh38 VCF-style: chr11-530444-G-A. GRCh37 (hg19) VCF-style: chr11-530444-G-A.
Identifiers: ClinVar variation 2641059 (VCV002641059.24), dbSNP rs187649794, ClinGen allele CA15689409.